The following is an entry in ClinVar:

ClinVar aggregate classification (germline): Uncertain significance. Review status: criteria provided, multiple submitters, no conflicts (2 of 4 stars). 2 submissions from 2 submitters: Uncertain significance (2). Last evaluated 2023-02-26.

Conditions:
Deafness with labyrinthine aplasia, microtia, and microdontia. Also called: DEAFNESS WITH LAMM; DEAFNESS, CONGENITAL, WITH LABYRINTHINE APLASIA, MICROTIA, AND MICRODONTIA; Congenital Deafness with Inner Ear Agenesis, Microtia, and Microdontia. Identifiers: Orphanet 90024, MedGen C1853144, MONDO:0012541, OMIM 610706.

Submissions (2):

New York Genome Center
Classification: Uncertain significance for Deafness with labyrinthine aplasia, microtia, and microdontia. Last evaluated: 2023-02-26. Review status: criteria provided, single submitter. Criteria: NYGC Assertion Criteria 2020. Collection method: clinical testing. Allele origin: inherited. Observed: 1 heterozygote.

GeneDx
Classification: Uncertain significance. Last evaluated: 2022-03-08. Review status: criteria provided, single submitter. Criteria: GeneDx Variant Classification Process June 2021. Collection method: clinical testing. Allele origin: germline. Affected: yes.
Comment: Not observed at significant frequency in large population cohorts (gnomAD); In silico analysis supports that this missense variant has a deleterious effect on protein structure/function; Has not been previously published as pathogenic or benign to our knowledge

NM_005247.4(FGF3):c.269G>T (p.Gly90Val)

Gene: FGF3 (fibroblast growth factor 3; minus strand). Cytogenetic location: 11q13.3.
Variant type: single nucleotide variant.
Coding change: c.269G>T on transcript NM_005247.4 (MANE Select); coding-DNA position 269, G replaced by T.
Protein change: p.Gly90Val; replaces glycine 90 with valine.
Molecular consequence: missense variant.
Genome position (GRCh38, 1-based): chr11:69,816,375, C>A on the plus strand (G>T on the coding strand, the complement: FGF3 is on the minus strand). VCF-style: chr11-69816375-C-A. GRCh37 (hg19) VCF-style: chr11-69631143-C-A.
Other names: c.269G>T (NM_005247.3); short protein forms G90V.
Identifiers: ClinVar variation 1704961 (VCV001704961.3), dbSNP rs2539180639, ClinGen allele CA381664198.